The following is an entry in ClinVar:

NM_000552.5(VWF):c.4384C>G (p.Pro1462Ala)

Gene: VWF (von Willebrand factor; minus strand). Cytogenetic location: 12p13.31.
Variant type: single nucleotide variant.
Coding change: c.4384C>G on transcript NM_000552.5 (MANE Select); coding-DNA position 4384, C replaced by G.
Protein change: p.Pro1462Ala; replaces proline 1462 with alanine.
Molecular consequence: missense variant.
Genome position (GRCh38, 1-based): chr12:6,019,034, G>C on the plus strand (C>G on the coding strand, the complement: VWF is on the minus strand). VCF-style: chr12-6019034-G-C. GRCh37 (hg19) VCF-style: chr12-6128200-G-C.
Other names: p.Pro1462Ala; c.4384C>G (NM_000552.3); short protein forms P1462A.
Identifiers: ClinVar variation 100355 (VCV000100355.6), dbSNP rs61750090, ClinGen allele CA228590.

ClinVar aggregate classification (germline): Conflicting classifications of pathogenicity. Review status: criteria provided, conflicting classifications (1 of 4 stars). 5 submissions from 5 submitters: Likely pathogenic (1); Uncertain significance (3). 1 of the submissions does not count toward it. Last evaluated 2024-12-09.

Conditions:
von Willebrand disease type 2 (VWD2). Also called: VWD, TYPE 2; VON WILLEBRAND DISEASE, TYPE 2A/IIE; VON WILLEBRAND DISEASE, TYPE 2CB; VON WILLEBRAND DISEASE, TYPE II. Identifiers: Orphanet 166081, Orphanet 903, MedGen C1264040, MONDO:0013304, OMIM 613554.

Allele frequency attached by ClinVar (database versions not stated): ExAC 0.00001; gnomAD 0.00001; gnomAD exomes 0.00001; TOPMed 0.00002.
gnomAD v4.1: 25 of 1,613,766 alleles (0.0015%); highest among the groups gnomAD compares: African/African-American, 0.0027%; no homozygotes.

Submissions (5):

Women's Health and Genetics/Laboratory Corporation of America, LabCorp
Classification: Uncertain significance. Last evaluated: 2024-12-09. Review status: criteria provided, single submitter. Criteria: LabCorp Variant Classification Summary - May 2015. Collection method: clinical testing. Allele origin: germline.
Comment: Variant summary: VWF c.4384C>G (p.Pro1462Ala) results in a non-conservative amino acid change in the encoded protein sequence. Four of five in-silico tools predict a damaging effect of the variant on protein function. The variant allele was found at a frequency of 1.2e-05 in 250506 control chromosomes (gnomAD). The available data on variant occurrences in the general population are insufficient to allow any conclusion about variant significance. c.4384C>G has been reported in the literature in an individual affected with Von Willebrand Disease type 2U (Gadisseur_2009). These data do not allow any conclusion about variant significance. To our knowledge, no experimental evidence demonstrating an impact on protein function has been reported. The following publications have been ascertained in the context of this evaluation (PMID: 19506361, 37647632). ClinVar contains an entry for this variant (Variation ID: 100355). Based on the evidence outlined above, the variant was classified as uncertain significance.

GeneDx
Classification: Uncertain significance. Last evaluated: 2024-09-25. Review status: criteria provided, single submitter. Criteria: GeneDx Variant Classification Process June 2021. Collection method: clinical testing. Allele origin: germline. Affected: yes.
Comment: In silico analysis indicates that this missense variant does not alter protein structure/function; Reported in association with von Willebrand Disease, however, detailed clinical information has not been provided (PMID: 19506361, 37647632); This variant is associated with the following publications: (PMID: 19506361, 37647632)

Mayo Clinic Laboratories, Mayo Clinic
Classification: Uncertain significance. Last evaluated: 2024-01-30. Review status: criteria provided, single submitter. Criteria: ACMG Guidelines, 2015. Collection method: clinical testing. Allele origin: germline. Observed: 1 variant allele.

Genetics and Molecular Pathology, SA Pathology
Classification: Likely pathogenic for von Willebrand disease type 2. Last evaluated: 2020-04-24. Review status: criteria provided, single submitter. Criteria: ACMG Guidelines, 2015. Collection method: clinical testing. Allele origin: germline. Affected: yes.

Academic Unit of Haematology, University of Sheffield
No classification provided. Review status: no classification provided. Collection method: not provided. Allele origin: not provided. Not counted in ClinVar's aggregate classification.

Literature cited by the submitters: PubMed 19506361 (cited by Women's Health and Genetics/Laboratory Corporation of America, LabCorp and Mayo Clinic Laboratories, Mayo Clinic); PubMed 37647632 (cited by Women's Health and Genetics/Laboratory Corporation of America, LabCorp and Mayo Clinic Laboratories, Mayo Clinic).